The following is an entry in ClinVar:

NM_001271.4(CHD2):c.257C>T (p.Pro86Leu)

Gene: CHD2 (chromodomain helicase DNA binding protein 2; plus strand). Cytogenetic location: 15q26.1.
Variant type: single nucleotide variant.
Coding change: c.257C>T on transcript NM_001271.4 (MANE Select); coding-DNA position 257, C replaced by T.
Protein change: p.Pro86Leu; replaces proline 86 with leucine.
Molecular consequence: missense variant.
Genome position (GRCh38, 1-based): chr15:92,924,515, C>T. VCF-style: chr15-92924515-C-T. GRCh37 (hg19) VCF-style: chr15-93467745-C-T.
Other names: c.257C>T, p.Pro86Leu (NM_001042572.3); short protein forms P86L.
Identifiers: ClinVar variation 3636662 (VCV003636662.2).

ClinVar aggregate classification (germline): Uncertain significance (1 of 4 stars; one submission).

Conditions:
Developmental and epileptic encephalopathy 94 (DEE94). Also called: Epileptic encephalopathy, childhood-onset; CHD2-Related Neurodevelopmental Disorders. Identifiers: Orphanet 1942, Orphanet 2382, MedGen C3809278, MONDO:0014150, OMIM 615369.

Submission:

Labcorp Genetics (formerly Invitae), Labcorp
Classification: Uncertain significance for Developmental and epileptic encephalopathy 94. Last evaluated: 2024-06-26. Review status: criteria provided, single submitter. Criteria: Invitae Variant Classification Sherloc (09022015). Collection method: clinical testing. Allele origin: germline.
Comment: This sequence change replaces proline, which is neutral and non-polar, with leucine, which is neutral and non-polar, at codon 86 of the CHD2 protein (p.Pro86Leu). This variant is not present in population databases (gnomAD no frequency). This variant has not been reported in the literature in individuals affected with CHD2-related conditions. Advanced modeling of protein sequence and biophysical properties (such as structural, functional, and spatial information, amino acid conservation, physicochemical variation, residue mobility, and thermodynamic stability) performed at Invitae indicates that this missense variant is not expected to disrupt CHD2 protein function with a negative predictive value of 95%. In summary, the available evidence is currently insufficient to determine the role of this variant in disease. Therefore, it has been classified as a Variant of Uncertain Significance.